The following is an entry in ClinVar:

NM_001042492.3(NF1):c.4390T>C (p.Phe1464Leu)

Gene: NF1 (neurofibromin 1; plus strand). Cytogenetic location: 17q11.2.
Variant type: single nucleotide variant.
Coding change: c.4390T>C on transcript NM_001042492.3 (MANE Select); coding-DNA position 4390, T replaced by C.
Protein change: p.Phe1464Leu; replaces phenylalanine 1464 with leucine.
Molecular consequence: missense variant.
Genome position (GRCh38, 1-based): chr17:31,259,089, T>C. VCF-style: chr17-31259089-T-C. GRCh37 (hg19) VCF-style: chr17-29586107-T-C.
Other names: c.4327T>C, p.Phe1443Leu (NM_000267.4); short protein forms F1443L, F1464L.
Identifiers: ClinVar variation 1008291 (VCV001008291.5), dbSNP rs2067638875, ClinGen allele CA398998875.
Genomic context (GRCh38, chr17:31,259,089, plus strand): 5'-TAGATACTTCAGAGTATTGCCAATCATGTTCTCTTCACAAAAGAAGAACATATGCGGCCT[T>C]TCAATGATTTTGTGAAAAGCAACTTTGATGCAGCACGCAGGTAATTTTCTTGCCACTTAC-3'
Protein context (NP_001035957.1, residues 1454-1474): LFTKEEHMRP[Phe1464Leu]NDFVKSNFDA

ClinVar aggregate classification (germline): Uncertain significance (1 of 4 stars; one submission).

Conditions:
Neurofibromatosis, type 1 (NF1). Also called: NEUROFIBROMATOSIS, TYPE I, SOMATIC; Peripheral type neurofibromatosis; VON RECKLINGHAUSEN DISEASE; Neurofibromatosis, type I. Identifiers: Orphanet 636, MedGen C0027831, MONDO:0018975, OMIM 162200. Disease mechanism: loss of function.

Submission:

Labcorp Genetics (formerly Invitae), Labcorp
Classification: Uncertain significance for Neurofibromatosis, type 1. Last evaluated: 2024-02-22. Review status: criteria provided, single submitter. Criteria: Invitae Variant Classification Sherloc (09022015). Collection method: clinical testing. Allele origin: germline.
Comment: This sequence change replaces phenylalanine, which is neutral and non-polar, with leucine, which is neutral and non-polar, at codon 1443 of the NF1 protein (p.Phe1443Leu). This variant is not present in population databases (gnomAD no frequency). This variant has not been reported in the literature in individuals affected with NF1-related conditions. ClinVar contains an entry for this variant (Variation ID: 1008291). Advanced modeling of protein sequence and biophysical properties (such as structural, functional, and spatial information, amino acid conservation, physicochemical variation, residue mobility, and thermodynamic stability) performed at Invitae indicates that this missense variant is not expected to disrupt NF1 protein function with a negative predictive value of 95%. In summary, the available evidence is currently insufficient to determine the role of this variant in disease. Therefore, it has been classified as a Variant of Uncertain Significance.